The following is an entry in ClinVar:

NM_002230.4(JUP):c.1490T>G (p.Leu497Arg)

Gene: JUP (junction plakoglobin; minus strand). Cytogenetic location: 17q21.2.
Variant type: single nucleotide variant.
Coding change: c.1490T>G on transcript NM_002230.4 (MANE Select); coding-DNA position 1490, T replaced by G.
Protein change: p.Leu497Arg; replaces leucine 497 with arginine.
Molecular consequence: missense variant.
Genome position (GRCh38, 1-based): chr17:41,762,990, A>C on the plus strand (T>G on the coding strand, the complement: JUP is on the minus strand). VCF-style: chr17-41762990-A-C. GRCh37 (hg19) VCF-style: chr17-39919242-A-C.
Other names: p.Leu497Arg; c.1490T>G, p.Leu497Arg (NM_001352773.2, NM_001352774.2, NM_001352775.2 and 3 more transcripts); short protein forms L497R.
Identifiers: ClinVar variation 1057877 (VCV001057877.12), dbSNP rs1327324458, ClinGen allele CA399496089.

ClinVar aggregate classification (germline): Uncertain significance. Review status: criteria provided, multiple submitters, no conflicts (2 of 4 stars). 4 submissions from 4 submitters: Uncertain significance (4). Last evaluated 2024-12-27.

Conditions:
Cardiovascular phenotype. Identifiers: MedGen CN230736.
Naxos disease (NXD). Also called: KERATOSIS PALMOPLANTARIS WITH ARRHYTHMOGENIC CARDIOMYOPATHY; MAL DE NAXOS; PALMOPLANTAR KERATODERMA WITH ARRHYTHMOGENIC RIGHT VENTRICULAR CARDIOMYOPATHY AND WOOLLY HAIR; WOOLLY HAIR, PALMOPLANTAR KERATODERMA, AND CARDIAC ABNORMALITIES; CARDIOMYOPATHY, ARRHYTHMOGENIC RIGHT VENTRICULAR, WITH SKIN, HAIR, AND NAIL ABNORMALITIES. Identifiers: Orphanet 34217, MedGen C1832600, MONDO:0011017, OMIM 601214.
Arrhythmogenic right ventricular dysplasia 12. Also called: ARRHYTHMOGENIC RIGHT VENTRICULAR DYSPLASIA, FAMILIAL, 12. Identifiers: MedGen C1969081, MONDO:0012684, OMIM 611528.

Allele frequency attached by ClinVar (database versions not stated): gnomAD exomes below 0.00001; TOPMed 0.00001; gnomAD 0.00002.
gnomAD v4.1: 35 of 1,612,458 alleles (0.0022%); highest among the groups gnomAD compares: African/African-American, 0.0027%; no homozygotes.

Submissions (4):

Labcorp Genetics (formerly Invitae), Labcorp
Classification: Uncertain significance for Arrhythmogenic right ventricular dysplasia 12; Naxos disease. Last evaluated: 2024-12-27. Review status: criteria provided, single submitter. Criteria: Invitae Variant Classification Sherloc (09022015). Collection method: clinical testing. Allele origin: germline.
Comment: This sequence change replaces leucine, which is neutral and non-polar, with arginine, which is basic and polar, at codon 497 of the JUP protein (p.Leu497Arg). This variant is present in population databases (no rsID available, gnomAD 0.005%). This variant has not been reported in the literature in individuals affected with JUP-related conditions. ClinVar contains an entry for this variant (Variation ID: 1057877). An algorithm developed to predict the effect of missense changes on protein structure and function (PolyPhen-2) suggests that this variant is likely to be disruptive. In summary, the available evidence is currently insufficient to determine the role of this variant in disease. Therefore, it has been classified as a Variant of Uncertain Significance.

Mayo Clinic Laboratories, Mayo Clinic
Classification: Uncertain significance. Last evaluated: 2024-05-13. Review status: criteria provided, single submitter. Criteria: ACMG Guidelines, 2015. Collection method: clinical testing. Allele origin: germline. Observed: 1 variant allele.
Comment: PP3

Ambry Genetics
Classification: Uncertain significance for Cardiovascular phenotype. Last evaluated: 2021-11-09. Review status: criteria provided, single submitter. Criteria: Ambry Variant Classification Scheme 2023. Collection method: clinical testing. Allele origin: germline.
Comment: The p.L497R variant (also known as c.1490T>G), located in coding exon 7 of the JUP gene, results from a T to G substitution at nucleotide position 1490. The leucine at codon 497 is replaced by arginine, an amino acid with dissimilar properties. This amino acid position is conserved. In addition, this alteration is predicted to be deleterious by in silico analysis. Since supporting evidence is limited at this time, the clinical significance of this alteration remains unclear.

Fulgent Genetics
Classification: Uncertain significance for Naxos disease; Arrhythmogenic right ventricular dysplasia 12. Last evaluated: 2021-10-25. Review status: criteria provided, single submitter. Criteria: ACMG Guidelines, 2015. Collection method: clinical testing. Allele origin: unknown.